The following is an entry in ClinVar:

NM_020366.4(RPGRIP1):c.2215+6T>C

Gene: RPGRIP1 (RPGR interacting protein 1; plus strand). Cytogenetic location: 14q11.2.
Variant type: single nucleotide variant.
Coding change: c.2215+6T>C on transcript NM_020366.4 (MANE Select); 6 bases into the intron after coding-DNA position 2215, T replaced by C.
Molecular consequence: intron variant.
Genome position (GRCh38, 1-based): chr14:21,325,076, T>C. VCF-style: chr14-21325076-T-C. GRCh37 (hg19) VCF-style: chr14-21793235-T-C.
Other names: c.1141+6T>C (NM_001377948.1); c.796+351T>C (NM_001377949.1); c.689-2547T>C (NM_001377523.1, NM_001377950.1); c.191-2547T>C (NM_001377951.1).
Identifiers: ClinVar variation 1002774 (VCV001002774.7), dbSNP rs767555070, ClinGen allele CA7089181.

ClinVar aggregate classification (germline): Uncertain significance (1 of 4 stars; one submission).

Conditions:
Cone-rod dystrophy 13 (CORD13). Identifiers: Orphanet 1872, MedGen C2750720, MONDO:0011987, OMIM 608194.
Leber congenital amaurosis 6 (LCA6). Identifiers: Orphanet 65, MedGen C1854260, MONDO:0013446, OMIM 613826.

Allele frequency attached by ClinVar (database versions not stated): ExAC 0.00001; gnomAD 0.00001 and 0.00002; gnomAD exomes 0.00001; TOPMed 0.00001.
gnomAD v4.1: 12 of 1,599,018 alleles (0.00075%); highest among the groups gnomAD compares: Non-Finnish European, 0.001%; no homozygotes.

Submission:

Labcorp Genetics (formerly Invitae), Labcorp
Classification: Uncertain significance for Leber congenital amaurosis 6; Cone-rod dystrophy 13. Last evaluated: 2024-10-08. Review status: criteria provided, single submitter. Criteria: Invitae Variant Classification Sherloc (09022015). Collection method: clinical testing. Allele origin: germline.
Comment: This sequence change falls in intron 14 of the RPGRIP1 gene. It does not directly change the encoded amino acid sequence of the RPGRIP1 protein. It affects a nucleotide within the consensus splice site. This variant is present in population databases (rs767555070, gnomAD 0.002%). This variant has not been reported in the literature in individuals affected with RPGRIP1-related conditions. ClinVar contains an entry for this variant (Variation ID: 1002774). Variants that disrupt the consensus splice site are a relatively common cause of aberrant splicing (PMID: 17576681, 9536098). Algorithms developed to predict the effect of sequence changes on RNA splicing suggest that this variant is not likely to affect RNA splicing. In summary, the available evidence is currently insufficient to determine the role of this variant in disease. Therefore, it has been classified as a Variant of Uncertain Significance.

Literature cited by the submitters: PubMed 17576681; PubMed 9536098.